The following is an entry in ClinVar:

NM_018100.4(EFHC1):c.1640+19G>C

Gene: EFHC1 (EF-hand domain containing 1; plus strand). Cytogenetic location: 6p12.2.
Variant type: single nucleotide variant.
Coding change: c.1640+19G>C on transcript NM_018100.4 (MANE Select); 19 bases into the intron after coding-DNA position 1640, G replaced by C.
Molecular consequence: intron variant.
Genome position (GRCh38, 1-based): chr6:52,479,806, G>C. VCF-style: chr6-52479806-G-C. GRCh37 (hg19) VCF-style: chr6-52344604-G-C.
Other names: c.1583+19G>C (NM_001172420.2).
Identifiers: ClinVar variation 1033463 (VCV001033463.6), dbSNP rs1303813611, ClinGen allele CA567308346.

ClinVar aggregate classification (germline): Conflicting classifications of pathogenicity. Review status: criteria provided, conflicting classifications (1 of 4 stars). 2 submissions from 2 submitters: Uncertain significance (1); Likely benign (1). Last evaluated 2022-10-14.

Conditions:
Absence seizure. Also called: Absence epilepsy. Identifiers: Orphanet 1941, MedGen C0014553.
Myoclonic epilepsy, juvenile, susceptibility to, 1. Also called: Myoclonic Epilepsy, Juvenile, 1; EJM1. Identifiers: MedGen C1850778, MONDO:0020752, OMIM 254770.

Allele frequency attached by ClinVar (database versions not stated): gnomAD exomes below 0.00001; gnomAD 0.00001; TOPMed 0.00001.
gnomAD v4.1: 3 of 1,613,308 alleles (0.00019%); highest among the groups gnomAD compares: Admixed American, 0.005%; no homozygotes.

Submissions (2):

Labcorp Genetics (formerly Invitae), Labcorp
Classification: Likely benign for Myoclonic epilepsy, juvenile, susceptibility to, 1; Absence seizure. Last evaluated: 2022-10-14. Review status: criteria provided, single submitter. Criteria: Invitae Variant Classification Sherloc (09022015). Collection method: clinical testing. Allele origin: germline.

Baylor Genetics
Classification: Uncertain significance for Epilepsy, juvenile absence, susceptibility to, 1. Last evaluated: 2018-01-16. Review status: criteria provided, single submitter. Criteria: ACMG Guidelines, 2015. Collection method: clinical testing. Allele origin: paternal. Affected: yes.
Comment: This variant was determined to be of uncertain significance according to ACMG Guidelines, 2015 [PMID:25741868].